The following is an entry in ClinVar:

NM_018062.4(FANCL):c.21C>G (p.Ser7Arg)

Gene: FANCL (FA complementation group L; minus strand). Cytogenetic location: 2p16.1.
Variant type: single nucleotide variant.
Coding change: c.21C>G on transcript NM_018062.4 (MANE Select); coding-DNA position 21, C replaced by G.
Protein change: p.Ser7Arg; replaces serine 7 with arginine.
Molecular consequence: missense variant.
Genome position (GRCh38, 1-based): chr2:58,241,293, G>C on the plus strand (C>G on the coding strand, the complement: FANCL is on the minus strand). VCF-style: chr2-58241293-G-C. GRCh37 (hg19) VCF-style: chr2-58468428-G-C.
Other names: c.21C>G, p.Ser7Arg (NM_001114636.2, NM_001374615.1, NM_001410792.1); short protein forms S7R.
Identifiers: ClinVar variation 834650 (VCV000834650.7), dbSNP rs200559825, ClinGen allele CA1670843.

ClinVar aggregate classification (germline): Uncertain significance (1 of 4 stars; one submission).

Conditions:
Fanconi anemia (FA). Also called: Fanconi's anemia. Identifiers: Orphanet 84, MedGen C0015625, MeSH D005199, MONDO:0019391.

Allele frequency attached by ClinVar (database versions not stated): 1000 Genomes Project 30x 0.00016.
gnomAD v4.1: 7 of 1,614,244 alleles (0.00043%); highest among the groups gnomAD compares: East Asian, 0.0089%; no homozygotes.

Submission:

Labcorp Genetics (formerly Invitae), Labcorp
Classification: Uncertain significance for Fanconi anemia. Last evaluated: 2021-08-20. Review status: criteria provided, single submitter. Criteria: Invitae Variant Classification Sherloc (09022015). Collection method: clinical testing. Allele origin: germline.
Comment: This sequence change replaces serine with arginine at codon 7 of the FANCL protein (p.Ser7Arg). The serine residue is moderately conserved and there is a moderate physicochemical difference between serine and arginine. This variant is present in population databases (rs200559825, ExAC 0.03%). This variant has not been reported in the literature in individuals affected with FANCL-related conditions. Algorithms developed to predict the effect of missense changes on protein structure and function (SIFT, PolyPhen-2, Align-GVGD) all suggest that this variant is likely to be tolerated. In summary, the available evidence is currently insufficient to determine the role of this variant in disease. Therefore, it has been classified as a Variant of Uncertain Significance.